The following is an entry in ClinVar:

NM_004082.5(DCTN1):c.1636C>T (p.Gln546Ter)

Gene: DCTN1 (dynactin subunit 1; minus strand). Cytogenetic location: 2p13.1.
Variant type: single nucleotide variant.
Coding change: c.1636C>T on transcript NM_004082.5 (MANE Select); coding-DNA position 1636, C replaced by T.
Protein change: p.Gln546Ter; replaces glutamine 546 with a stop codon.
Molecular consequence: nonsense. On other transcripts: non-coding transcript variant (1).
Genome position (GRCh38, 1-based): chr2:74,369,163, G>A on the plus strand (C>T on the coding strand, the complement: DCTN1 is on the minus strand). VCF-style: chr2-74369163-G-A. GRCh37 (hg19) VCF-style: chr2-74596290-G-A.
Other names: c.1576C>T, p.Gln526Ter (NM_001135040.3); c.1234C>T, p.Gln412Ter (NM_001135041.3, NM_023019.4); c.1525C>T, p.Gln509Ter (NM_001190836.2); c.1615C>T, p.Gln539Ter (NM_001190837.2); c.1585C>T, p.Gln529Ter (NM_001378991.1); c.1567C>T, p.Gln523Ter (NM_001378992.1); short protein forms Q539*, Q546*, Q509*, Q526*, Q412*, Q523*, Q529*.
Identifiers: ClinVar variation 1993669 (VCV001993669.4), dbSNP rs2529143408, ClinGen allele CA347357019.
Genomic context (GRCh38, chr2:74,369,163, plus strand): 5'-CATGGGCCTTAGTCTCAGCAAACTTGATTTTGAAGTCAAAGGTCTCTGGAGGTGGCTGCT[G>A]TTGCCTCTCCACAGATGCTTCCTGCTGGTTTGTCAGTTCCCGATTCACATCCTAGGAGGA-3'

ClinVar aggregate classification (germline): Uncertain significance (1 of 4 stars; one submission).

Conditions:
Neuronopathy, distal hereditary motor, type 7B. Also called: HMN VIIB; LOWER MOTOR NEURON DISEASE, DYNACTIN TYPE; Distal Hereditary Motor Neuronopathy Type 7B (dHMN7B); NEURONOPATHY, DISTAL HEREDITARY MOTOR, AUTOSOMAL DOMINANT 14; NEURONOPATHY, DISTAL HEREDITARY MOTOR, HARDING TYPE VIIB; NEUROPATHY, DISTAL HEREDITARY MOTOR, HARDING TYPE VIIB. Identifiers: Orphanet 139589, MedGen C1843315, MONDO:0011879, OMIM 607641.
Perry syndrome. Also called: PARKINSONISM WITH ALVEOLAR HYPOVENTILATION AND MENTAL DEPRESSION. Identifiers: Orphanet 178509, MedGen C1868594, MONDO:0008201, OMIM 168605.
Amyotrophic lateral sclerosis type 1 (ALS1). Also called: AMYOTROPHIC LATERAL SCLEROSIS 1, FAMILIAL. Identifiers: Orphanet 803, MedGen C1862939, MONDO:0007103, OMIM 105400.

Submission:

Labcorp Genetics (formerly Invitae), Labcorp
Classification: Uncertain significance for Amyotrophic lateral sclerosis type 1; Neuronopathy, distal hereditary motor, type 7B; Perry syndrome. Last evaluated: 2022-05-12. Review status: criteria provided, single submitter. Criteria: Invitae Variant Classification Sherloc (09022015). Collection method: clinical testing. Allele origin: germline.
Comment: In summary, the available evidence is currently insufficient to determine the role of this variant in disease. Therefore, it has been classified as a Variant of Uncertain Significance. This variant has not been reported in the literature in individuals affected with DCTN1-related conditions. This variant is not present in population databases (gnomAD no frequency). This sequence change creates a premature translational stop signal (p.Gln546*) in the DCTN1 gene. It is expected to result in an absent or disrupted protein product. However, the current clinical and genetic evidence is not sufficient to establish whether loss-of-function variants in DCTN1 cause disease.